The following is an entry in ClinVar:

NM_002838.5(PTPRC):c.367G>C (p.Asp123His)

Gene: PTPRC (protein tyrosine phosphatase receptor type C; plus strand). Cytogenetic location: 1q31.3.
Variant type: single nucleotide variant.
Coding change: c.367G>C on transcript NM_002838.5 (MANE Select); coding-DNA position 367, G replaced by C.
Protein change: p.Asp123His; replaces aspartic acid 123 with histidine.
Molecular consequence: missense variant. On other transcripts: intron variant (1).
Genome position (GRCh38, 1-based): chr1:198,699,632, G>C. VCF-style: chr1-198699632-G-C. GRCh37 (hg19) VCF-style: chr1-198668761-G-C.
Other names: p.D121H:GAC>CAC; c.101-3666G>C (NM_080921.4); short protein forms D123H.
Identifiers: ClinVar variation 138847 (VCV000138847.14), dbSNP rs41269905, ClinGen allele CA292980.

ClinVar aggregate classification (germline): Benign/Likely benign. Review status: criteria provided, multiple submitters, no conflicts (2 of 4 stars). 5 submissions from 5 submitters: Benign (3); Likely benign (2). Last evaluated 2026-02-04.

Conditions:
Immunodeficiency 104. Also called: Severe combined immunodeficiency, autosomal recessive, T cell-negative, B cell-positive, NK cell-positive; SCID, AUTOSOMAL RECESSIVE, T CELL-NEGATIVE, B CELL-POSITIVE, NK CELL-POSITIVE; Severe Combined Immune Deficiency, Autosomal Recessive, TCell -Negative, B Cell-Positive, NK Cell-Positive, IL7R-Related; IMMUNODEFICIENCY 104, SEVERE COMBINED. Identifiers: MedGen C5676890, MONDO:0012163, OMIM 608971.

Allele frequency attached by ClinVar (database versions not stated): TOPMed 0.01026; ESP Exome Variant Server 0.01399; gnomAD 0.01414 and 0.01400; ExAC 0.01387; gnomAD exomes 0.01477; 1000 Genomes Project 30x 0.00547; 1000 Genomes Project 0.00599.
gnomAD v4.1: 25,531 of 1,614,164 alleles (1.6%); highest among the groups gnomAD compares: Non-Finnish European, 1.6%; 288 homozygotes.

Submissions (5):

Labcorp Genetics (formerly Invitae), Labcorp
Classification: Benign for Immunodeficiency 104. Last evaluated: 2026-02-04. Review status: criteria provided, single submitter. Criteria: Invitae Variant Classification Sherloc (09022015). Collection method: clinical testing. Allele origin: germline.

Women's Health and Genetics/Laboratory Corporation of America, LabCorp
Classification: Likely benign. Last evaluated: 2026-01-23. Review status: criteria provided, single submitter. Criteria: LabCorp Variant Classification Summary - May 2015. Collection method: clinical testing. Allele origin: germline.

Blueprint Genetics
Classification: Likely benign. Last evaluated: 2024-11-25. Review status: criteria provided, single submitter. Criteria: ACMG Guidelines, 2015. Collection method: clinical testing. Allele origin: germline.

GeneDx
Classification: Benign. Last evaluated: 2013-08-02. Review status: criteria provided, single submitter. Criteria: GeneDx Variant Classification (06012015). Collection method: clinical testing. Allele origin: germline. Affected: yes.
Comment: This variant is considered likely benign or benign based on one or more of the following criteria: it is a conservative change, it occurs at a poorly conserved position in the protein, it is predicted to be benign by multiple in silico algorithms, and/or has population frequency not consistent with disease.

Breakthrough Genomics
Classification: Benign. Review status: criteria provided, single submitter. Criteria: ACMG Guidelines, 2015. Collection method: not provided. Allele origin: germline. Inheritance: Autosomal recessive inheritance. Affected: yes.